The following is an entry in ClinVar:

ClinVar aggregate classification (germline): Pathogenic. Review status: criteria provided, multiple submitters, no conflicts (2 of 4 stars). 5 submissions from 5 submitters: Pathogenic (3). 2 of the submissions do not count toward it. Last evaluated 2025-09-22.

Conditions:
Familial focal epilepsy with variable foci (FPEVF). Identifiers: Orphanet 98820, MedGen C1858477, MONDO:0020310.
Epilepsy, familial focal, with variable foci 1 (FFEVF1). Also called: DEPDC5-Related Epilepsy. Identifiers: MedGen C4551983, MONDO:0024556, OMIM 604364.
Seizure. Also called: Seizures. Identifiers: MedGen C0036572, HP:0001250.

Allele frequency attached by ClinVar (database versions not stated): gnomAD exomes below 0.00001.
gnomAD v4.1: 1 of 1,613,206 alleles (0.000062%); highest among the groups gnomAD compares: Non-Finnish European, 0.000085%; no homozygotes.

Submissions (5):

Institute of Human Genetics, University of Leipzig Medical Center
Classification: Pathogenic for Epilepsy, familial focal, with variable foci 1. Last evaluated: 2025-09-22. Review status: criteria provided, single submitter. Criteria: ACMG Guidelines, 2015. Collection method: clinical testing. Allele origin: unknown. Inheritance: Autosomal dominant inheritance. Affected: yes.
Comment: Criteria applied: PVS1,PS4_MOD,PM2_SUP

Labcorp Genetics (formerly Invitae), Labcorp
Classification: Pathogenic for Familial focal epilepsy with variable foci. Last evaluated: 2024-01-22. Review status: criteria provided, single submitter. Criteria: Invitae Variant Classification Sherloc (09022015). Collection method: clinical testing. Allele origin: germline.
Comment: This sequence change creates a premature translational stop signal (p.Arg1268*) in the DEPDC5 gene. It is expected to result in an absent or disrupted protein product. Loss-of-function variants in DEPDC5 are known to be pathogenic (PMID: 23542697, 23542701). This variant is not present in population databases (gnomAD no frequency). This premature translational stop signal has been observed in individual(s) with focal epilepsy (PMID: 23542697). ClinVar contains an entry for this variant (Variation ID: 264741). For these reasons, this variant has been classified as Pathogenic.

GeneDx
Classification: Pathogenic. Last evaluated: 2023-01-25. Review status: criteria provided, single submitter. Criteria: GeneDx Variant Classification Process June 2021. Collection method: clinical testing. Allele origin: germline. Affected: yes.
Comment: Nonsense variant predicted to result in protein truncation or nonsense mediated decay in a gene for which loss of function is a known mechanism of disease; Not observed at significant frequency in large population cohorts (gnomAD); This variant is associated with the following publications: (PMID: 32613771, 28408749, 23542701, 30093711, 31791873, 34055363, 27683934, 23542697, 31377847)

Diagnostic Laboratory, Strasbourg University Hospital
Classification: Pathogenic for Seizure. Review status: no assertion criteria provided. Collection method: clinical testing. Allele origin: maternal. Affected: yes. Observed: 1 heterozygote. Not counted in ClinVar's aggregate classification.

GeneReviews
No classification provided. Condition: Epilepsy, familial focal, with variable foci 1. Review status: no classification provided. Collection method: literature only. Allele origin: germline. Affected: yes. Not counted in ClinVar's aggregate classification.

Literature cited by the submitters: PubMed 23542697 (cited by Labcorp Genetics (formerly Invitae), Labcorp and GeneReviews); PubMed 23542701 (cited by Labcorp Genetics (formerly Invitae), Labcorp); NCBI Bookshelf NBK385626 (cited by GeneReviews).

NM_001242896.3(DEPDC5):c.3802C>T (p.Arg1268Ter)

Gene: DEPDC5 (DEP domain containing 5, GATOR1 subcomplex subunit; plus strand). Cytogenetic location: 22q12.3.
Variant type: single nucleotide variant.
Coding change: c.3802C>T on transcript NM_001242896.3 (MANE Select); coding-DNA position 3802, C replaced by T.
Protein change: p.Arg1268Ter; replaces arginine 1268 with a stop codon.
Molecular consequence: nonsense. On other transcripts: non-coding transcript variant (2).
Genome position (GRCh38, 1-based): chr22:31,876,262, C>T. VCF-style: chr22-31876262-C-T. GRCh37 (hg19) VCF-style: chr22-32272248-C-T.
Other names: c.3775C>T, p.Arg1259Ter (NM_001136029.4); c.3502C>T, p.Arg1168Ter (NM_001242897.2); c.3736C>T, p.Arg1246Ter (NM_001363852.2, NM_001364320.2); c.3568C>T, p.Arg1190Ter (NM_001363854.2, NM_001364319.2); c.3802C>T, p.Arg1268Ter (NM_001364318.2); c.3718C>T, p.Arg1240Ter (NM_001369901.1, NM_001369902.1); c.3709C>T, p.Arg1237Ter (NM_001369903.1, NM_014662.6); short protein forms R1168*, R1268*, R1237*, R1240*, R1259*, R1190*, R1246*.
Identifiers: ClinVar variation 264741 (VCV000264741.16), dbSNP rs886039268, ClinGen allele CA10588052.